The following is an entry in ClinVar:

NM_006147.4(IRF6):c.1210G>A (p.Glu404Lys)

Gene: IRF6 (interferon regulatory factor 6; minus strand). Cytogenetic location: 1q32.2.
Variant type: single nucleotide variant.
Coding change: c.1210G>A on transcript NM_006147.4 (MANE Select); coding-DNA position 1210, G replaced by A.
Protein change: p.Glu404Lys; replaces glutamic acid 404 with lysine.
Molecular consequence: missense variant.
Genome position (GRCh38, 1-based): chr1:209,788,614, C>T on the plus strand (G>A on the coding strand, the complement: IRF6 is on the minus strand). VCF-style: chr1-209788614-C-T. GRCh37 (hg19) VCF-style: chr1-209961959-C-T.
Other names: c.925G>A, p.Glu309Lys (NM_001206696.2); short protein forms E404K, E309K.
Identifiers: ClinVar variation 217873 (VCV000217873.12), dbSNP rs769068305, ClinGen allele CA277849.
Genomic context (GRCh38, chr1:209,788,614, plus strand): 5'-AGATCTGCAGGCGGACACTGCCACTATCAAAGGATCGTGTGAAATCACCAGAAAACATCT[C>T]GTAGATCATCCGAGCCACTACTGGAATGACCTGTTCAGGACACAGAACACAGGTGTATCC-3'
Protein context (NP_006138.1, residues 394-414): VIPVVARMIY[Glu404Lys]MFSGDFTRSF

ClinVar aggregate classification (germline): Pathogenic/Likely pathogenic. Review status: criteria provided, multiple submitters, no conflicts (2 of 4 stars). 5 submissions from 5 submitters: Pathogenic (2); Likely pathogenic (2). 1 of the submissions does not count toward it. Last evaluated 2026-04-15.

Conditions:
Popliteal pterygium syndrome (PPS). Identifiers: Orphanet 294963, MedGen C0265259, MONDO:0017435.
Van der Woude syndrome. Identifiers: Orphanet 888, MedGen C0175697, MONDO:0019508.
Orofacial cleft 6, susceptibility to (OFC6). Also called: CLEFT LIP WITH OR WITHOUT CLEFT PALATE, NONSYNDROMIC, 6. Identifiers: MedGen C1837213, MONDO:0012141, OMIM 608864.
Van der Woude syndrome 1. Also called: CLEFT LIP AND/OR PALATE WITH MUCOUS CYSTS OF LOWER LIP; van der Woude Syndrome (VWS). Identifiers: MedGen C4551864, MONDO:0007333, OMIM 119300.
Autosomal dominant popliteal pterygium syndrome. Also called: Popliteal Pterygium Syndrome (PPS); CLEFT LIP/PALATE, PARAMEDIAN MUCOUS CYSTS OF THE LOWER LIP, POPLITEAL PTERYGIUM, DIGITAL AND GENITAL ANOMALIES; FACIOGENITOPOPLITEAL SYNDROME. Identifiers: Orphanet 1300, MedGen C5848052, MONDO:0007334, OMIM 119500.

Submissions (5):

Genetics Laboratory, Great Ormond Street Hospital NHS Foundation Trust, North Thames Genomic Laboratory Hub
Classification: Pathogenic for Van der Woude syndrome. Last evaluated: 2026-04-15. Review status: criteria provided, single submitter. Criteria: ACGS Best Practice Guidelines for Variant Classification in Rare Disease 2024 v1.2. Collection method: clinical testing. Allele origin: germline. Affected: yes.
Comment: PS4_moderate, PM2_moderate, PP3_supporting, PS3_supporting, PP1_supporting, PS2_strong

Fulgent Genetics
Classification: Likely pathogenic for Van der Woude syndrome 1; Autosomal dominant popliteal pterygium syndrome; Orofacial cleft 6, susceptibility to. Last evaluated: 2024-01-04. Review status: criteria provided, single submitter. Criteria: ACMG Guidelines, 2015. Collection method: clinical testing. Allele origin: germline.

GeneDx
Classification: Likely pathogenic. Last evaluated: 2023-10-23. Review status: criteria provided, single submitter. Criteria: GeneDx Variant Classification Process June 2021. Collection method: clinical testing. Allele origin: germline. Affected: yes.
Comment: Identified in individuals with Van der Woude spectrum in the published literature (PMID: 19282774, 29115498); Published functional studies demonstrate a damaging effect on periderm development (PMID: 28945736); Not observed at significant frequency in large population cohorts (gnomAD); This variant is associated with the following publications: (PMID: 19282774, 29115498, 28945736)

Labcorp Genetics (formerly Invitae), Labcorp
Classification: Pathogenic for Orofacial cleft 6, susceptibility to; Van der Woude syndrome; Popliteal pterygium syndrome. Last evaluated: 2021-09-26. Review status: criteria provided, single submitter. Criteria: Invitae Variant Classification Sherloc (09022015). Collection method: clinical testing. Allele origin: germline.
Comment: For these reasons, this variant has been classified as Pathogenic. Experimental studies have shown that this missense change affects IRF6 function (PMID: 28945736). Algorithms developed to predict the effect of missense changes on protein structure and function (SIFT, PolyPhen-2, Align-GVGD) all suggest that this variant is likely to be disruptive. ClinVar contains an entry for this variant (Variation ID: 217873). This missense change has been observed in individual(s) with Van der Woude syndrome (PMID: 19282774, 29115498). In at least one individual the variant was observed to be de novo. It has also been observed to segregate with disease in related individuals. This variant is not present in population databases (ExAC no frequency). This sequence change replaces glutamic acid with lysine at codon 404 of the IRF6 protein (p.Glu404Lys). The glutamic acid residue is highly conserved and there is a small physicochemical difference between glutamic acid and lysine.

Mendelics
Classification: Pathogenic for Van der Woude syndrome 1. Last evaluated: 2014-06-02. Review status: no assertion criteria provided. Collection method: clinical testing. Allele origin: unknown. Affected: yes. Not counted in ClinVar's aggregate classification.

Literature cited by the submitters: PubMed 28945736 (cited by Labcorp Genetics (formerly Invitae), Labcorp); PubMed 19282774 (cited by Labcorp Genetics (formerly Invitae), Labcorp and Mendelics); PubMed 29115498 (cited by Labcorp Genetics (formerly Invitae), Labcorp).